The following is an entry in ClinVar:

NM_001243279.3(ACSF3):c.92T>C (p.Leu31Pro)

Gene: ACSF3 (acyl-CoA synthetase family member 3; plus strand). Cytogenetic location: 16q24.3.
Variant type: single nucleotide variant.
Coding change: c.92T>C on transcript NM_001243279.3 (MANE Select); coding-DNA position 92, T replaced by C.
Protein change: p.Leu31Pro; replaces leucine 31 with proline.
Molecular consequence: missense variant. On other transcripts: non-coding transcript variant (3), intron variant (1).
Genome position (GRCh38, 1-based): chr16:89,100,773, T>C. VCF-style: chr16-89100773-T-C. GRCh37 (hg19) VCF-style: chr16-89167181-T-C.
Other names: c.92T>C, p.Leu31Pro (NM_001127214.4, NM_174917.5); c.-129-1831T>C (NM_001284316.2); short protein forms L31P.
Identifiers: ClinVar variation 1994944 (VCV001994944.4), dbSNP rs2543519630, ClinGen allele CA397133410.
Genomic context (GRCh38, chr16:89,100,773, plus strand): 5'-GCCTGGGCTGCGCCTTGGCGTCCTGCCGGCTGGCGCCTGCGAGACACAGAGGAAGTGGTC[T>C]TCTGCACACAGCCCCAGTGGCCCGCTCGGACAGGAGCGCCCCGGTGTTCACCCGTGCCCT-3'
Protein context (NP_001230208.1, residues 21-41): LAPARHRGSG[Leu31Pro]LHTAPVARSD

ClinVar aggregate classification (germline): Uncertain significance (1 of 4 stars; one submission).

Conditions:
Combined malonic and methylmalonic acidemia. Identifiers: Orphanet 289504, MedGen C3280314, MONDO:0013661, OMIM 614265.

Submission:

Labcorp Genetics (formerly Invitae), Labcorp
Classification: Uncertain significance for Combined malonic and methylmalonic acidemia. Last evaluated: 2022-05-15. Review status: criteria provided, single submitter. Criteria: Invitae Variant Classification Sherloc (09022015). Collection method: clinical testing. Allele origin: germline.
Comment: This sequence change replaces leucine, which is neutral and non-polar, with proline, which is neutral and non-polar, at codon 31 of the ACSF3 protein (p.Leu31Pro). This variant is not present in population databases (gnomAD no frequency). This variant has not been reported in the literature in individuals affected with ACSF3-related conditions. Advanced modeling of protein sequence and biophysical properties (such as structural, functional, and spatial information, amino acid conservation, physicochemical variation, residue mobility, and thermodynamic stability) performed at Invitae indicates that this missense variant is expected to disrupt ACSF3 protein function. In summary, the available evidence is currently insufficient to determine the role of this variant in disease. Therefore, it has been classified as a Variant of Uncertain Significance.